The following is an entry in ClinVar:

ClinVar aggregate classification (germline): Uncertain significance (1 of 4 stars; one submission).

Conditions:
Combined immunodeficiency due to MALT1 deficiency. Also called: Immunodeficiency 12. Identifiers: Orphanet 397964, MedGen C3809583, MONDO:0014197, OMIM 615468.

Submission:

Labcorp Genetics (formerly Invitae), Labcorp
Classification: Uncertain significance for Combined immunodeficiency due to MALT1 deficiency. Last evaluated: 2021-06-19. Review status: criteria provided, single submitter. Criteria: Invitae Variant Classification Sherloc (09022015). Collection method: clinical testing. Allele origin: germline.
Comment: In summary, the available evidence is currently insufficient to determine the role of this variant in disease. Therefore, it has been classified as a Variant of Uncertain Significance. Algorithms developed to predict the effect of missense changes on protein structure and function (SIFT, PolyPhen-2, Align-GVGD) all suggest that this variant is likely to be tolerated, but these predictions have not been confirmed by published functional studies and their clinical significance is uncertain. This variant has not been reported in the literature in individuals with MALT1-related conditions. This variant is not present in population databases (ExAC no frequency). This sequence change replaces glutamine with histidine at codon 691 of the MALT1 protein (p.Gln691His). The glutamine residue is moderately conserved and there is a small physicochemical difference between glutamine and histidine.

NM_006785.4(MALT1):c.2073G>C (p.Gln691His)

Gene: MALT1 (MALT1 paracaspase; plus strand). Cytogenetic location: 18q21.32.
Variant type: single nucleotide variant.
Coding change: c.2073G>C on transcript NM_006785.4 (MANE Select); coding-DNA position 2073, G replaced by C.
Protein change: p.Gln691His; replaces glutamine 691 with histidine.
Molecular consequence: missense variant.
Genome position (GRCh38, 1-based): chr18:58,747,440, G>C. VCF-style: chr18-58747440-G-C. GRCh37 (hg19) VCF-style: chr18-56414672-G-C.
Other names: c.2040G>C, p.Gln680His (NM_173844.3); short protein forms Q680H, Q691H.
Identifiers: ClinVar variation 1472982 (VCV001472982.8), dbSNP rs144005348, ClinGen allele CA300945559.
Genomic context (GRCh38, chr18:58,747,440, plus strand): 5'-TAAACCAGATTTTTTTCCTTTTCAGGAACATCTAGTCTTCACAGTATGTTTATCATATCA[G>C]TACTCAGGATTGGAAGATACTGTAGAGGACAAGCAGGAAGTGAATGTTGGGAAACCTCTC-3'
Protein context (NP_006776.1, residues 681-701): HLVFTVCLSY[Gln691His]YSGLEDTVED